The following is an entry in ClinVar:

ClinVar aggregate classification (germline): Likely benign. Review status: criteria provided, multiple submitters, no conflicts (2 of 4 stars). 3 submissions from 3 submitters: Likely benign (3). Last evaluated 2026-03-25.

Conditions:
NPHP3-related disorder. Also called: NPHP3-related disorders; NPHP3-related condition. Identifiers: MedGen CN379163.
Nephronophthisis. Also called: Juvenile Nephronophthisis. Identifiers: Orphanet 655, MedGen C0687120, MONDO:0019005, HP:0000090.

Allele frequency attached by ClinVar (database versions not stated): ExAC 0.00004; TOPMed 0.00005; gnomAD 0.00007 and 0.00008.
gnomAD v4.1: 137 of 1,613,936 alleles (0.0085%); highest among the groups gnomAD compares: Non-Finnish European, 0.011%; no homozygotes.

Submissions (3):

PreventionGenetics, part of Exact Sciences
Classification: Likely benign for NPHP3-related condition. Last evaluated: 2026-03-25. Review status: criteria provided, single submitter. Criteria: ACMG Guidelines, 2015. Collection method: clinical testing. Allele origin: germline.
Comment: This variant is classified as likely benign based on ACMG/AMP sequence variant interpretation guidelines (Richards et al. 2015 PMID: 25741868, with internal and published modifications).

Labcorp Genetics (formerly Invitae), Labcorp
Classification: Likely benign for Nephronophthisis. Last evaluated: 2026-01-06. Review status: criteria provided, single submitter. Criteria: Invitae Variant Classification Sherloc (09022015). Collection method: clinical testing. Allele origin: germline.

Blueprint Genetics
Classification: Likely benign. Last evaluated: 2023-03-02. Review status: criteria provided, single submitter. Criteria: ACMG Guidelines, 2015. Collection method: clinical testing. Allele origin: germline.

NM_153240.5(NPHP3):c.2884-5C>T

Genes: NPHP3 (nephrocystin 3; minus strand), NPHP3-ACAD11 (NPHP3-ACAD11 readthrough (NMD candidate); minus strand). Cytogenetic location: 3q22.1.
Variant type: single nucleotide variant.
Coding change: c.2884-5C>T on transcript NM_153240.5 (MANE Select); 5 bases into the intron before coding-DNA position 2884, C replaced by T.
Molecular consequence: intron variant.
Genome position (GRCh38, 1-based): chr3:132,688,896, G>A on the plus strand (C>T on the coding strand, the complement: NPHP3 is on the minus strand). VCF-style: chr3-132688896-G-A. GRCh37 (hg19) VCF-style: chr3-132407740-G-A.
Other names: c.2884-5C>T (NM_153240.4).
Identifiers: ClinVar variation 1128116 (VCV001128116.12), dbSNP rs764010022, ClinGen allele CA2621886.